The following is an entry in ClinVar:

ClinVar aggregate classification (germline): Likely pathogenic (1 of 4 stars; one submission).

Submission:

Genetic Services Laboratory, University of Chicago
Classification: Likely pathogenic. Last evaluated: 2021-02-10. Review status: criteria provided, single submitter. Criteria: ACMG Guidelines, 2015. Collection method: clinical testing. Allele origin: germline. Affected: yes.
Comment: This sequence change does not appear to have been previously described in patients with TUBB-related disorders. This sequence change has not been observed in the population databases (ExAC and gnomAD). The p.Leu228Ile change affects a highly conserved amino acid residue located in a domain of the TUBB protein that is known to be functional. In-silico pathogenicity prediction tools (SIFT, PolyPhen2, Align GVGD, REVEL) provide contradictory results for the p.Leu228Ile substitution.

NM_178014.4(TUBB):c.682C>A (p.Leu228Ile)

Gene: TUBB (tubulin beta class I; plus strand). Cytogenetic location: 6p21.33.
Variant type: single nucleotide variant.
Coding change: c.682C>A on transcript NM_178014.4 (MANE Select); coding-DNA position 682, C replaced by A.
Protein change: p.Leu228Ile; replaces leucine 228 with isoleucine.
Molecular consequence: missense variant. On other transcripts: intron variant (1).
Genome position (GRCh38, 1-based): chr6:30,723,744, C>A. VCF-style: chr6-30723744-C-A. GRCh37 (hg19) VCF-style: chr6-30691521-C-A.
Other names: c.742C>A, p.Leu248Ile (NM_001293212.2); c.550C>A, p.Leu184Ile (NM_001293214.2); c.466C>A, p.Leu156Ile (NM_001293215.2, NM_001293216.2); c.370-294C>A (NM_001293213.2); short protein forms L156I, L184I, L228I, L248I.
Identifiers: ClinVar variation 1337305 (VCV001337305.4), dbSNP rs1057524718, ClinGen allele CA363148028.
Genomic context (GRCh38, chr6:30,723,744, plus strand): 5'-TATGATATCTGCTTCCGCACTCTGAAGCTGACCACACCAACCTACGGGGATCTGAACCAC[C>A]TTGTCTCAGCCACCATGAGTGGTGTCACCACCTGCCTCCGTTTCCCTGGCCAGCTCAATG-3'
Protein context (NP_821133.1, residues 218-238): TTPTYGDLNH[Leu228Ile]VSATMSGVTT